The following is an entry in ClinVar:

ClinVar aggregate classification (germline): Pathogenic/Likely pathogenic. Review status: criteria provided, multiple submitters, no conflicts (2 of 4 stars). 13 submissions from 12 submitters: Pathogenic (8); Likely pathogenic (4). 1 of the submissions does not count toward it. Last evaluated 2025-11-04.

Conditions:
PNPLA6-related disorder. Also called: PNPLA6-related disorders; PNPLA6-related condition.
Trichomegaly-retina pigmentary degeneration-dwarfism syndrome (OMCS). Also called: Eyelashes long mental retardation; Trichomegaly retina pigmentary degeneration dwarfism; Oliver-McFarlane Syndrome (OMCS); OLIVER-MCFARLANE SYNDROME. Identifiers: Orphanet 3363, MedGen C1848745, MONDO:0010152, OMIM 275400.
Laurence-Moon syndrome (LNMS). Also called: PNPLA6-Related Laurence-Moon Syndrome (LMS). Identifiers: Orphanet 2377, MedGen C0023138, MONDO:0009514, OMIM 245800.
Hereditary spastic paraplegia 39 (SPG39). Also called: Spastic Paraplegia Type 39 (SPG39); SPASTIC PARAPLEGIA 39, AUTOSOMAL RECESSIVE. Identifiers: Orphanet 139480, MedGen C2677586, MONDO:0012787, OMIM 612020.
Ataxia-hypogonadism-choroidal dystrophy syndrome (BNHS). Also called: Chorioretinal dystrophy, spinocerebellar ataxia and hypogonadotropic hypogonadism; Boucher-Neuhäuser Syndrome (BNS). Identifiers: Orphanet 1180, MedGen C1859093, MONDO:0008980, OMIM 215470.
Autosomal recessive PNPLA6-related disorders.
Dysarthria. Identifiers: MedGen C0013362, HP:0001260.
Cerebellar ataxia. Identifiers: Orphanet 102002, MedGen C0007758, MONDO:0000437.
Hypogonadotropic hypogonadism 7 with or without anosmia (HH7). Also called: HYPOGONADOTROPIC HYPOGONADISM 7 WITHOUT ANOSMIA; GNRHR-Related GnRH Deficiency. Identifiers: Orphanet 432, MedGen C0342384, MONDO:0007794, OMIM 146110.
Gait ataxia. Identifiers: MedGen C0751837, HP:0002066.
Cerebellar atrophy. Identifiers: MedGen C0740279, HP:0001272.

Allele frequency attached by ClinVar (database versions not stated): gnomAD exomes 0.00004; gnomAD 0.00005 and 0.00006; TOPMed 0.00007; ExAC 0.00009; ESP Exome Variant Server 0.00015.
gnomAD v4.1: 66 of 1,608,576 alleles (0.0041%); highest among the groups gnomAD compares: Middle Eastern, 0.018%; no homozygotes.

Submissions (13):

Dasa
Classification: Pathogenic. Last evaluated: 2025-11-04. Review status: criteria provided, single submitter. Criteria: DASA Assertion Criteria. Collection method: clinical testing. Allele origin: germline.
Comment: NM_001166114.2(PNPLA6):c.4045C>T (p.Arg1349Trp) is a missense variant that results in the substitution of arginine with tryptophan. Segregation evidence has been reported in affected families. This variant has been recurrently observed in affected individuals with related phenotype in a genotype context consistent with recessive disease (PMID: 25033069; PMID: 25359264; PMID: 34445196). Multiple computational predictions support a deleterious effect on the gene or gene product. The variant is present at low frequency in population datasets. Based on the available data, this variant is classified as pathogenic.

Labcorp Genetics (formerly Invitae), Labcorp
Classification: Pathogenic for Hereditary spastic paraplegia 39. Last evaluated: 2025-10-13. Review status: criteria provided, single submitter. Criteria: Invitae Variant Classification Sherloc (09022015). Collection method: clinical testing. Allele origin: germline.
Comment: This sequence change replaces arginine, which is basic and polar, with tryptophan, which is neutral and slightly polar, at codon 1311 of the PNPLA6 protein (p.Arg1311Trp). This variant is present in population databases (rs374434303, gnomAD 0.008%). This missense change has been observed in individual(s) with Boucher-Neuhäuser syndrome or Gordon Holmes syndrome (PMID: 25033069, 25359264). In at least one individual the data is consistent with being in trans (on the opposite chromosome) from a pathogenic variant. It has also been observed to segregate with disease in related individuals. This variant is also known as c.4075C>T (p.R1359W). ClinVar contains an entry for this variant (Variation ID: 374055). Invitae Evidence Modeling of protein sequence and biophysical properties (such as structural, functional, and spatial information, amino acid conservation, physicochemical variation, residue mobility, and thermodynamic stability) has been performed for this missense variant. However, the output from this modeling did not meet the statistical confidence thresholds required to predict the impact of this variant on PNPLA6 protein function. For these reasons, this variant has been classified as Pathogenic.

First Genomix Gene Laboratory, Genetic Diagnostics Department
Classification: Pathogenic for Laurence-Moon syndrome; Ataxia-hypogonadism-choroidal dystrophy syndrome; Trichomegaly-retina pigmentary degeneration-dwarfism syndrome; Hereditary spastic paraplegia 39. Last evaluated: 2025-09-25. Review status: criteria provided, single submitter. Criteria: ACMG Guidelines, 2015. Collection method: clinical testing. Allele origin: germline. Inheritance: Autosomal recessive inheritance. Affected: no. Observed: 1 variant allele.

Variantyx, Inc.
Classification: Pathogenic for Autosomal recessive PNPLA6-related disorders. Last evaluated: 2025-04-15. Review status: criteria provided, single submitter. Criteria: Variantyx Assertion Criteria 2022. Collection method: clinical testing. Allele origin: germline. Inheritance: Autosomal recessive inheritance. Affected: no.
Comment: This is a nonsynonymous variant in the PNPLA6 gene (OMIM: 603197). Pathogenic variants in this gene have been associated with autosomal recessive PNPLA6-related disorders. This variant has been identified in the compound heterozygous state in at least 5 individuals reported in the published literature (PMID: 25033069, 25359264, 34445196, 34234304, 35069422) (PM3). Multiple computational algorithms predict no functional impact for this variant (REVEL score: 0.068) (BP4_Moderate) and an a;ternate amino acid change at this position (p.Arg1349Gln) has been previously reported in similarly affected individuals, which suggests that this residue is biologically important (PMID: 27866050) (PM5_Supporting). This variant has a 0.0049% maximum allele frequency in non-founder control populations (PM2). Based on the current evidence, this variant is classified as pathogenic for autosomal recessive PNPLA6-related disorders.

CeGaT Center for Human Genetics Tuebingen
Classification: Pathogenic. Last evaluated: 2023-08-01. Review status: criteria provided, single submitter. Criteria: CeGaT Center For Human Genetics Tuebingen Variant Classification Criteria Version 2. Collection method: clinical testing. Allele origin: germline. Affected: yes. Observed: 2 variant alleles.
Comment: PNPLA6: PM3:Very Strong, PM2, PM5

Laboratory of Medical Genetics, National & Kapodistrian University of Athens
Classification: Likely pathogenic for Ataxia-hypogonadism-choroidal dystrophy syndrome. Last evaluated: 2023-07-31. Review status: criteria provided, single submitter. Criteria: ACMG Guidelines, 2015. Collection method: clinical testing. Allele origin: germline. Affected: yes.
Comment: PM2, PM3, PM5, PP5 - The variant has been reported in ClinVar as Pathogenic by other laboratories (Variation ID 374055). Low frequency in gnomAD population databases. In silico prediction tools estimated that the variant could be damaging for the protein function/stracture. It was detected in trans with another pathogenic variant.

Women's Health and Genetics/Laboratory Corporation of America, LabCorp
Classification: Pathogenic for PNPLA6-Related Disorders. Last evaluated: 2023-05-10. Review status: criteria provided, single submitter. Criteria: LabCorp Variant Classification Summary - May 2015. Collection method: clinical testing. Allele origin: germline.
Comment: Variant summary: PNPLA6 c.3931C>T (p.Arg1311Trp) results in a non-conservative amino acid change in the encoded protein sequence. Three of five in-silico tools predict a damaging effect of the variant on protein function. The variant allele was found at a frequency of 3.8e-05 in 237278 control chromosomes (gnomAD). c.3931C>T (also known as c.4075C>T, p.R1359W) has been reported in the literature in multiple individuals affected with PNPLA6-Related Disorders (example: Nanetti_2022, Dzinovic_2022, Benkirane_2021, Galatolo_2021, Tarnutzer_2015, and Topaloglu_2014). These data indicate that the variant is very likely to be associated with disease. The following publications have been ascertained in the context of this evaluation (PMID: 34234304, 35872528, 34445196, 35069422, 25359264, 25033069). Five clinical diagnostic laboratories have submitted clinical-significance assessments for this variant to ClinVar after 2014 and all classified the variant as pathogenic/likely pathogenic. Based on the evidence outlined above, the variant was classified as pathogenic.

GeneDx
Classification: Likely pathogenic. Last evaluated: 2023-02-14. Review status: criteria provided, single submitter. Criteria: GeneDx Variant Classification Process June 2021. Collection method: clinical testing. Allele origin: germline. Affected: yes.
Comment: Not observed at significant frequency in large population cohorts (gnomAD); In silico analysis supports that this missense variant has a deleterious effect on protein structure/function; This variant is associated with the following publications: (PMID: 25359264, 29248984, 25033069, 35198007, 34426522, 34234304, 35069422)

Molecular Medicine for Neurodegenerative and Neuromuscular Diseases Unit, IRCCS Fondazione Stella Maris
Classification: Likely pathogenic for Ataxia-hypogonadism-choroidal dystrophy syndrome. Last evaluated: 2021-07-12. Review status: criteria provided, single submitter. Criteria: ACMG Guidelines, 2015. Collection method: research. Allele origin: inherited. Affected: yes.

Institute of Medical Genetics and Applied Genomics, University Hospital Tübingen
Classification: Pathogenic. Last evaluated: 2020-10-23. Review status: criteria provided, single submitter. Criteria: ACMG Guidelines, 2015. Collection method: clinical testing. Allele origin: germline. Inheritance: Autosomal recessive inheritance. Affected: yes.

Institute of Human Genetics Munich, TUM University Hospital
Classification: Pathogenic for Hereditary spastic paraplegia 39. Last evaluated: 2020-02-13. Review status: criteria provided, single submitter. Criteria: Classification criteria August 2017. Collection method: clinical testing. Allele origin: germline. Inheritance: Autosomal recessive inheritance. Affected: yes. Observed: 1 variant allele.

Centre for Mendelian Genomics, University Medical Centre Ljubljana
Classification: Likely pathogenic for Ataxia; Dysarthria; Hypogonadotropic hypogonadism. Last evaluated: 2014-05-19. Review status: criteria provided, single submitter. Criteria: ACMG Guidelines, 2015. Collection method: clinical testing. Allele origin: unknown. Affected: yes.

Centre for Mendelian Genomics, University Medical Centre Ljubljana
Classification: Uncertain significance for Cerebellar atrophy; Dysarthria; Gait ataxia. Last evaluated: 2014-05-19. Review status: flagged submission. Criteria: ACMG Guidelines, 2015. Collection method: clinical testing. Allele origin: unknown. Affected: yes. Not counted in ClinVar's aggregate classification.
ClinVar note: Reason: Older and outlier claim with insufficient supporting evidence

Literature cited by the submitters: PubMed 25033069 (cited by 4 submitters); PubMed 25359264 (cited by 4 submitters); PubMed 34445196 (cited by 3 submitters); PubMed 35069422 (cited by Variantyx, Inc. and Women's Health and Genetics/Laboratory Corporation of America, LabCorp); PubMed 27866050 (cited by Variantyx, Inc.); PubMed 34234304 (cited by Women's Health and Genetics/Laboratory Corporation of America, LabCorp); PubMed 35872528 (cited by Women's Health and Genetics/Laboratory Corporation of America, LabCorp).

NM_001166114.2(PNPLA6):c.4045C>T (p.Arg1349Trp)

Gene: PNPLA6 (patatin like domain 6, lysophospholipase; plus strand). Cytogenetic location: 19p13.2.
Variant type: single nucleotide variant.
Coding change: c.4045C>T on transcript NM_001166114.2 (MANE Select); coding-DNA position 4045, C replaced by T.
Protein change: p.Arg1349Trp; replaces arginine 1349 with tryptophan.
Molecular consequence: missense variant.
Genome position (GRCh38, 1-based): chr19:7,561,509, C>T. VCF-style: chr19-7561509-C-T. GRCh37 (hg19) VCF-style: chr19-7626395-C-T.
Other names: c.3850C>T, p.Arg1284Trp (NM_001166112.2); c.3931C>T, p.Arg1311Trp (NM_001166113.1, NM_006702.5); c.3931C>T (NM_006702.4); c.4075C>T, p.Arg1359Trp (NM_001166111.2); short protein forms R1311W, R1359W, R1284W, R1349W.
Identifiers: ClinVar variation 374055 (VCV000374055.48), dbSNP rs374434303, ClinGen allele CA9140693.